The following is an entry in ClinVar:

ClinVar aggregate classification (germline): Uncertain significance (1 of 4 stars; one submission).

gnomAD v4.1: 21 of 1,599,254 alleles (0.0013%); highest among the groups gnomAD compares: Admixed American, 0.0051%; no homozygotes.

Submission:

Labcorp Genetics (formerly Invitae), Labcorp
Classification: Uncertain significance. Last evaluated: 2025-10-12. Review status: criteria provided, single submitter. Criteria: Invitae Variant Classification Sherloc (09022015). Collection method: clinical testing. Allele origin: germline.
Comment: This sequence change replaces arginine, which is basic and polar, with histidine, which is basic and polar, at codon 1025 of the ANLN protein (p.Arg1025His). The frequency data for this variant in the population databases is considered unreliable, as metrics indicate poor data quality at this position in the gnomAD database. This variant has not been reported in the literature in individuals affected with ANLN-related conditions. Invitae Evidence Modeling of protein sequence and biophysical properties (such as structural, functional, and spatial information, amino acid conservation, physicochemical variation, residue mobility, and thermodynamic stability) indicates that this missense variant is not expected to disrupt ANLN protein function with a negative predictive value of 80%. In summary, the available evidence is currently insufficient to determine the role of this variant in disease. Therefore, it has been classified as a Variant of Uncertain Significance.

NM_018685.5(ANLN):c.3074G>A (p.Arg1025His)

Gene: ANLN (anillin, actin binding protein; plus strand). Cytogenetic location: 7p14.2.
Variant type: single nucleotide variant.
Coding change: c.3074G>A on transcript NM_018685.5 (MANE Select); coding-DNA position 3074, G replaced by A.
Protein change: p.Arg1025His; replaces arginine 1025 with histidine.
Molecular consequence: missense variant.
Genome position (GRCh38, 1-based): chr7:36,443,858, G>A. VCF-style: chr7-36443858-G-A. GRCh37 (hg19) VCF-style: chr7-36483467-G-A.
Other names: c.2963G>A, p.Arg988His (NM_001284301.3); c.2960G>A, p.Arg987His (NM_001284302.3); short protein forms R1025H, R987H, R988H.
Identifiers: ClinVar variation 4695671 (VCV004695671.1).